The following is an entry in ClinVar:

ClinVar aggregate classification (germline): Likely benign (1 of 4 stars; one submission).

Conditions:
HDAC4-related disorder. Also called: HDAC4-related condition.

gnomAD v4.1: 59 of 1,613,884 alleles (0.0037%); highest among the groups gnomAD compares: East Asian, 0.0045%; no homozygotes.

Submission:

PreventionGenetics, part of Exact Sciences
Classification: Likely benign for HDAC4-related condition. Last evaluated: 2024-10-30. Review status: criteria provided, single submitter. Criteria: ACMG Guidelines, 2015. Collection method: clinical testing. Allele origin: germline.
Comment: This variant is classified as likely benign based on ACMG/AMP sequence variant interpretation guidelines (Richards et al. 2015 PMID: 25741868, with internal and published modifications).

NM_001378414.1(HDAC4):c.2727C>T (p.Asp909=)

Gene: HDAC4 (histone deacetylase 4; minus strand). Cytogenetic location: 2q37.3.
Variant type: single nucleotide variant.
Coding change: c.2727C>T on transcript NM_001378414.1 (MANE Select); coding-DNA position 2727, C replaced by T.
Protein change: p.Asp909=; no amino-acid change (aspartic acid 909 retained).
Molecular consequence: synonymous variant.
Genome position (GRCh38, 1-based): chr2:239,081,118, G>A on the plus strand (C>T on the coding strand, the complement: HDAC4 is on the minus strand). VCF-style: chr2-239081118-G-A. GRCh37 (hg19) VCF-style: chr2-240002814-G-A.
Other names: c.2727C>T, p.Asp909= (NM_001378415.1); c.2712C>T, p.Asp904= (NM_001378416.1, NM_001378417.1, NM_006037.4); c.2646C>T, p.Asp882= (NM_001435991.1, NM_001435992.1); c.2568C>T, p.Asp856= (NM_001435993.1).
Identifiers: ClinVar variation 4993797 (VCV004993797.1).
Genomic context (GRCh38, chr2:239,081,118, plus strand): 5'-TGCTACTTCAGGTGTCATGTGAAGCCGGGAGGCTCACCTGAAGGCCGCCAAGTACTCAGC[G>A]TCTCCCATGGGGGGGTCCAGGCCGCCGGTGAAAGCCATGTTGACGTTGAAACCCACGCCG-3'
Protein context (NP_001365343.1, residues 899-919): FTGGLDPPMG[Asp909=]AEYLAAFRTV